The following is an entry in ClinVar:

ClinVar aggregate classification (germline): Uncertain significance (1 of 4 stars; one submission).

gnomAD v4.1: 4 of 1,554,144 alleles (0.00026%); highest among the groups gnomAD compares: Admixed American, 0.0039%; no homozygotes.

Submission:

Labcorp Genetics (formerly Invitae), Labcorp
Classification: Uncertain significance. Last evaluated: 2024-02-12. Review status: criteria provided, single submitter. Criteria: Invitae Variant Classification Sherloc (09022015). Collection method: clinical testing. Allele origin: germline.
Comment: This sequence change replaces tyrosine, which is neutral and polar, with histidine, which is basic and polar, at codon 614 of the KANK4 protein (p.Tyr614His). The frequency data for this variant in the population databases is considered unreliable, as metrics indicate poor data quality at this position in the gnomAD database. This variant has not been reported in the literature in individuals affected with KANK4-related conditions. An algorithm developed to predict the effect of missense changes on protein structure and function (PolyPhen-2) suggests that this variant is likely to be tolerated. In summary, the available evidence is currently insufficient to determine the role of this variant in disease. Therefore, it has been classified as a Variant of Uncertain Significance.

NM_181712.5(KANK4):c.1840T>C (p.Tyr614His)

Gene: KANK4 (KN motif and ankyrin repeat domains 4; minus strand). Cytogenetic location: 1p31.3.
Variant type: single nucleotide variant.
Coding change: c.1840T>C on transcript NM_181712.5 (MANE Select); coding-DNA position 1840, T replaced by C.
Protein change: p.Tyr614His; replaces tyrosine 614 with histidine.
Molecular consequence: missense variant. On other transcripts: intron variant (1).
Genome position (GRCh38, 1-based): chr1:62,273,264, A>G on the plus strand (T>C on the coding strand, the complement: KANK4 is on the minus strand). VCF-style: chr1-62273264-A-G. GRCh37 (hg19) VCF-style: chr1-62738936-A-G.
Other names: c.17-1675T>C (NM_001320269.2); short protein forms Y614H.
Identifiers: ClinVar variation 3656794 (VCV003656794.2).